The following is an entry in ClinVar:

ClinVar aggregate classification (germline): Uncertain significance. Review status: criteria provided, multiple submitters, no conflicts (2 of 4 stars). 2 submissions from 2 submitters: Uncertain significance (2). Last evaluated 2025-09-12.

Conditions:
Intellectual developmental disorder, autosomal dominant 47. Also called: MENTAL RETARDATION, AUTOSOMAL DOMINANT 47; Intellectual disability, autosomal dominant 47. Identifiers: Orphanet 502434, MedGen C4539951, MONDO:0030912, OMIM 617635.

Submissions (2):

3billion
Classification: Uncertain significance for Intellectual developmental disorder, autosomal dominant 47. Last evaluated: 2025-09-12. Review status: criteria provided, single submitter. Criteria: ACMG Guidelines, 2015. Collection method: clinical testing. Allele origin: germline. Affected: yes.
Comment: The variant is not observed in the gnomAD v4.1.0 dataset. Predicted Consequence/Location: Intron variant In silico tools predict the variant to alter splicing and produce an abnormal transcript [SpliceAI: 0.64 (>=0.2, moderate evidence for spliceogenicity)]. Therefore, this variant is classified as VUS according to the recommendation of ACMG/AMP guideline.

Labcorp Genetics (formerly Invitae), Labcorp
Classification: Uncertain significance. Last evaluated: 2025-02-23. Review status: criteria provided, single submitter. Criteria: Invitae Variant Classification Sherloc (09022015). Collection method: clinical testing. Allele origin: germline.
Comment: This sequence change falls in intron 7 of the STAG1 gene. It does not directly change the encoded amino acid sequence of the STAG1 protein. It affects a nucleotide within the consensus splice site. This variant is not present in population databases (gnomAD no frequency). This variant has not been reported in the literature in individuals affected with STAG1-related conditions. Variants that disrupt the consensus splice site are a relatively common cause of aberrant splicing (PMID: 17576681, 9536098). Algorithms developed to predict the effect of sequence changes on RNA splicing suggest that this variant is not likely to affect RNA splicing. In summary, the available evidence is currently insufficient to determine the role of this variant in disease. Therefore, it has been classified as a Variant of Uncertain Significance.

Literature cited by the submitters: PubMed 17576681 (cited by Labcorp Genetics (formerly Invitae), Labcorp); PubMed 9536098 (cited by Labcorp Genetics (formerly Invitae), Labcorp).

NM_005862.3(STAG1):c.676+4A>G

Gene: STAG1 (STAG1 cohesin complex component; minus strand). Cytogenetic location: 3q22.3.
Variant type: single nucleotide variant.
Coding change: c.676+4A>G on transcript NM_005862.3 (MANE Select); 4 bases into the intron after coding-DNA position 676, A replaced by G.
Molecular consequence: intron variant.
Genome position (GRCh38, 1-based): chr3:136,521,209, T>C on the plus strand (A>G on the coding strand, the complement: STAG1 is on the minus strand). VCF-style: chr3-136521209-T-C. GRCh37 (hg19) VCF-style: chr3-136240051-T-C.
Identifiers: ClinVar variation 4713655 (VCV004713655.2).